The following is an entry in ClinVar:

NM_000083.3(CLCN1):c.1243G>A (p.Ala415Thr)

Gene: CLCN1 (chloride voltage-gated channel 1; plus strand). Cytogenetic location: 7q34.
Variant type: single nucleotide variant.
Coding change: c.1243G>A on transcript NM_000083.3 (MANE Select); coding-DNA position 1243, G replaced by A.
Protein change: p.Ala415Thr; replaces alanine 415 with threonine.
Molecular consequence: missense variant. On other transcripts: non-coding transcript variant (1).
Genome position (GRCh38, 1-based): chr7:143,332,495, G>A. VCF-style: chr7-143332495-G-A. GRCh37 (hg19) VCF-style: chr7-143029588-G-A.
Other names: short protein forms A415T.
Identifiers: ClinVar variation 1001036 (VCV001001036.6), dbSNP rs1023099235, ClinGen allele CA369643576.

ClinVar aggregate classification (germline): Uncertain significance (1 of 4 stars; one submission).

Conditions:
Congenital myotonia, autosomal dominant form (THD). Also called: THOMSEN DISEASE; Myotonia congenita autosomal dominant. Identifiers: Orphanet 614, MedGen C2936781, MONDO:0008055, OMIM 160800.
Congenital myotonia, autosomal recessive form. Also called: BECKER DISEASE; Becker Generalized Myotonia; myotonia congenita, autosomal recessive. Identifiers: Orphanet 614, MedGen C0751360, MONDO:0009715, OMIM 255700.

Submission:

Labcorp Genetics (formerly Invitae), Labcorp
Classification: Uncertain significance for Congenital myotonia, autosomal recessive form; Congenital myotonia, autosomal dominant form. Last evaluated: 2024-01-02. Review status: criteria provided, single submitter. Criteria: Invitae Variant Classification Sherloc (09022015). Collection method: clinical testing. Allele origin: germline.
Comment: This sequence change replaces alanine, which is neutral and non-polar, with threonine, which is neutral and polar, at codon 415 of the CLCN1 protein (p.Ala415Thr). This variant is not present in population databases (gnomAD no frequency). This variant has not been reported in the literature in individuals affected with CLCN1-related conditions. ClinVar contains an entry for this variant (Variation ID: 1001036). Advanced modeling of protein sequence and biophysical properties (such as structural, functional, and spatial information, amino acid conservation, physicochemical variation, residue mobility, and thermodynamic stability) performed at Invitae indicates that this missense variant is expected to disrupt CLCN1 protein function with a positive predictive value of 95%. In summary, the available evidence is currently insufficient to determine the role of this variant in disease. Therefore, it has been classified as a Variant of Uncertain Significance.